The following is an entry in ClinVar:

ClinVar aggregate classification (germline): Uncertain significance (1 of 4 stars; one submission).

Conditions:
Familial thoracic aortic aneurysm and aortic dissection (TAAD). Also called: Thoracic aortic aneurysms and dissections. Identifiers: Orphanet 91387, MedGen C4707243, MONDO:0019625.

Submission:

Ambry Genetics
Classification: Uncertain significance for Familial thoracic aortic aneurysm and aortic dissection. Last evaluated: 2025-10-26. Review status: criteria provided, single submitter. Criteria: Ambry Variant Classification Scheme 2023. Collection method: clinical testing. Allele origin: germline.
Comment: The p.H56Q variant (also known as c.168T>A), located in coding exon 2 of the MED12 gene, results from a T to A substitution at nucleotide position 168. The histidine at codon 56 is replaced by glutamine, an amino acid with highly similar properties. This amino acid position is conserved. In addition, the in silico prediction for this alteration is inconclusive. Based on the available evidence, the clinical significance of this variant remains unclear.

NM_005120.3(MED12):c.168T>A (p.His56Gln)

Gene: MED12 (mediator complex subunit 12; plus strand). Cytogenetic location: Xq13.1.
Variant type: single nucleotide variant.
Coding change: c.168T>A on transcript NM_005120.3 (MANE Select); coding-DNA position 168, T replaced by A.
Protein change: p.His56Gln; replaces histidine 56 with glutamine.
Molecular consequence: missense variant.
Genome position (GRCh38, 1-based): chrX:71,119,441, T>A. VCF-style: chrX-71119441-T-A. GRCh37 (hg19) VCF-style: chrX-70339291-T-A.
Other names: short protein forms H56Q.
Identifiers: ClinVar variation 4635405 (VCV004635405.1).
Genomic context (GRCh38, chrX:71,119,441, plus strand): 5'-GACGGCCTTGAATGTAAAACAAGGTTTCAATAACCAGCCTGCTGTCTCTGGGGATGAGCA[T>A]GGCAGTGCCAAGAACGTCAGCTTCAATCCTGCCAAGGTGAGACAACTCTGCCAGGCTGAA-3'
Protein context (NP_005111.2, residues 46-66): NNQPAVSGDE[His56Gln]GSAKNVSFNP